The following is an entry in ClinVar:

ClinVar aggregate classification (germline): Likely benign. Review status: criteria provided, multiple submitters, no conflicts (2 of 4 stars). 5 submissions from 5 submitters: Likely benign (4). 1 of the submissions does not count toward it. Last evaluated 2026-01-26.

Conditions:
Hereditary cancer-predisposing syndrome. Also called: Tumor predisposition; Neoplastic Syndromes, Hereditary; Hereditary Cancer Syndrome; Hereditary neoplastic syndrome. Identifiers: Orphanet 140162, MedGen C0027672, MeSH D009386, MONDO:0015356.
EGFR-related lung cancer (EGFR). Identifiers: MedGen CN130014.
EGFR-related disorder. Also called: EGFR-related condition.

Allele frequency attached by ClinVar (database versions not stated): TOPMed 0.00005; gnomAD 0.00007; ESP Exome Variant Server 0.00008.
gnomAD v4.1: 153 of 1,612,706 alleles (0.0095%); highest among the groups gnomAD compares: Non-Finnish European, 0.012%; no homozygotes.

Submissions (5):

Labcorp Genetics (formerly Invitae), Labcorp
Classification: Likely benign for EGFR-related lung cancer. Last evaluated: 2026-01-26. Review status: criteria provided, single submitter. Criteria: Invitae Variant Classification Sherloc (09022015). Collection method: clinical testing. Allele origin: germline.

Ambry Genetics
Classification: Likely benign for Hereditary cancer-predisposing syndrome. Last evaluated: 2024-12-06. Review status: criteria provided, single submitter. Criteria: Ambry Variant Classification Scheme 2023. Collection method: clinical testing. Allele origin: germline.

Women's Health and Genetics/Laboratory Corporation of America, LabCorp
Classification: Likely benign. Last evaluated: 2024-09-11. Review status: criteria provided, single submitter. Criteria: LabCorp Variant Classification Summary - May 2015. Collection method: clinical testing. Allele origin: germline.

Sema4
Classification: Likely benign for Hereditary cancer-predisposing syndrome. Last evaluated: 2021-06-14. Review status: criteria provided, single submitter. Criteria: Sema4 Curation Guidelines. Collection method: curation. Allele origin: germline.

PreventionGenetics, part of Exact Sciences
Classification: Likely benign for EGFR-related condition. Last evaluated: 2023-05-30. Review status: no assertion criteria provided. Collection method: clinical testing. Allele origin: germline. Not counted in ClinVar's aggregate classification.
Comment: This variant is classified as likely benign based on ACMG/AMP sequence variant interpretation guidelines (Richards et al. 2015 PMID: 25741868, with internal and published modifications).

NM_005228.5(EGFR):c.2025G>A (p.Arg675=)

Gene: EGFR (epidermal growth factor receptor; plus strand). Cytogenetic location: 7p11.2.
Variant type: single nucleotide variant.
Coding change: c.2025G>A on transcript NM_005228.5 (MANE Select); coding-DNA position 2025, G replaced by A.
Protein change: p.Arg675=; no amino-acid change (arginine 675 retained).
Molecular consequence: synonymous variant.
Genome position (GRCh38, 1-based): chr7:55,173,088, G>A. VCF-style: chr7-55173088-G-A. GRCh37 (hg19) VCF-style: chr7-55240781-G-A.
Other names: c.2025G>A (NM_005228.4); c.1890G>A, p.Arg630= (NM_001346897.2, NM_001346899.2); c.2025G>A, p.Arg675= (NM_001346898.2); c.1866G>A, p.Arg622= (NM_001346900.2); c.1224G>A, p.Arg408= (NM_001346941.2).
Identifiers: ClinVar variation 1157617 (VCV001157617.14), dbSNP rs372471129, ClinGen allele CA4265943.